The following is an entry in ClinVar:

ClinVar aggregate classification (germline): Uncertain significance (1 of 4 stars; one submission).

Conditions:
Mitochondrial hypertrophic cardiomyopathy with lactic acidosis due to MTO1 deficiency. Also called: Combined oxidative phosphorylation deficiency 10; CARDIOMYOPATHY, INFANTILE HYPERTROPHIC MITOCHONDRIAL, AND LACTIC ACIDOSIS. Identifiers: Orphanet 314637, MedGen C4749921, MONDO:0013865, OMIM 614702.

gnomAD v4.1: 1 of 1,614,244 alleles (0.000062%); highest among the groups gnomAD compares: South Asian, 0.0011%; no homozygotes.

Submission:

Labcorp Genetics (formerly Invitae), Labcorp
Classification: Uncertain significance for Mitochondrial hypertrophic cardiomyopathy with lactic acidosis due to MTO1 deficiency. Last evaluated: 2019-06-18. Review status: criteria provided, single submitter. Criteria: Invitae Variant Classification Sherloc (09022015). Collection method: clinical testing. Allele origin: germline.
Comment: This sequence change replaces valine with methionine at codon 39 of the MTO1 protein (p.Val39Met). The valine residue is highly conserved and there is a small physicochemical difference between valine and methionine. This variant is not present in population databases (ExAC no frequency). This variant has not been reported in the literature in individuals with MTO1-related conditions. Algorithms developed to predict the effect of missense changes on protein structure and function are either unavailable or do not agree on the potential impact of this missense change (SIFT: "Deleterious"; PolyPhen-2: "Probably Damaging"; Align-GVGD: "Class C0"). In summary, the available evidence is currently insufficient to determine the role of this variant in disease. Therefore, it has been classified as a Variant of Uncertain Significance.

NM_012123.4(MTO1):c.115G>A (p.Val39Met)

Gene: MTO1 (mitochondrial tRNA translation optimization 1; plus strand). Cytogenetic location: 6q13.
Variant type: single nucleotide variant.
Coding change: c.115G>A on transcript NM_012123.4 (MANE Select); coding-DNA position 115, G replaced by A.
Protein change: p.Val39Met; replaces valine 39 with methionine.
Molecular consequence: missense variant.
Genome position (GRCh38, 1-based): chr6:73,461,969, G>A. VCF-style: chr6-73461969-G-A. GRCh37 (hg19) VCF-style: chr6-74171692-G-A.
Other names: c.115G>A, p.Val39Met (NM_001123226.2, NM_133645.3); short protein forms V39M.
Identifiers: ClinVar variation 950281 (VCV000950281.9), dbSNP rs766653154, ClinGen allele CA364711925.
Genomic context (GRCh38, chr6:73,461,969, plus strand): 5'-CAATTTCCGTTGGCACGGTTGAGCAGTGACAGCGCGGCGCCCCGGACTCCGCACTTCGAC[G>A]TGATAGTCATTGGTGGAGGACATGCCGGGACTGAGGCAGCCACCGCCGCCGCTCGGTGCG-3'
Protein context (NP_036255.2, residues 29-49): SAAPRTPHFD[Val39Met]IVIGGGHAGT